The following is an entry in ClinVar:

ClinVar aggregate classification (germline): Likely benign (1 of 4 stars; one submission).

Submission:

GeneDx
Classification: Likely benign. Last evaluated: 2017-03-02. Review status: criteria provided, single submitter. Criteria: GeneDx Variant Classification (06012015). Collection method: clinical testing. Allele origin: germline. Affected: yes.
Comment: This variant is considered likely benign or benign based on one or more of the following criteria: it is a conservative change, it occurs at a poorly conserved position in the protein, it is predicted to be benign by multiple in silico algorithms, and/or has population frequency not consistent with disease.

NM_001100.4(ACTA1):c.809-35_809-19delinsAGCTTCTGCTCACGCTC

Gene: ACTA1 (actin alpha 1, skeletal muscle; minus strand). Cytogenetic location: 1q42.13.
Variant type: Indel.
Coding change: c.809-35_809-19delinsAGCTTCTGCTCACGCTC on transcript NM_001100.4 (MANE Select); 35 bases into the intron before coding-DNA position 809 through 19 bases into the intron before coding-DNA position 809, GAGCTTCTGCTCACGCT replaced by AGCTTCTGCTCACGCTC.
Molecular consequence: intron variant.
Genome position (GRCh38, 1-based): chr1:229,431,921-229,431,937, AGCGTGAGCAGAAGCTC replaced by GAGCGTGAGCAGAAGCT on the plus strand (GAGCTTCTGCTCACGCT replaced by AGCTTCTGCTCACGCTC on the coding strand, the reverse complement: ACTA1 is on the minus strand). GRCh37 (hg19): chr1:229,567,668-229,567,684.
Identifiers: ClinVar variation 421220 (VCV000421220.1), dbSNP rs1064794988, ClinGen allele CA16617083.